The following is an entry in ClinVar:

NM_003482.4(KMT2D):c.14776G>T (p.Ala4926Ser)

Gene: KMT2D (lysine methyltransferase 2D; minus strand). Cytogenetic location: 12q13.12.
Variant type: single nucleotide variant.
Coding change: c.14776G>T on transcript NM_003482.4 (MANE Select); coding-DNA position 14776, G replaced by T.
Protein change: p.Ala4926Ser; replaces alanine 4926 with serine.
Molecular consequence: missense variant.
Genome position (GRCh38, 1-based): chr12:49,027,190, C>A on the plus strand (G>T on the coding strand, the complement: KMT2D is on the minus strand). VCF-style: chr12-49027190-C-A. GRCh37 (hg19) VCF-style: chr12-49420973-C-A.
Other names: short protein forms A4926S.
Identifiers: ClinVar variation 2039730 (VCV002039730.4), dbSNP rs2120369387, ClinGen allele CA384691783.

ClinVar aggregate classification (germline): Uncertain significance (1 of 4 stars; one submission).

Conditions:
Kabuki syndrome. Also called: NIIKAWA-KUROKI SYNDROME; Kabuki make-up syndrome. Identifiers: Orphanet 2322, MedGen C0796004, MONDO:0016512.

Submission:

Labcorp Genetics (formerly Invitae), Labcorp
Classification: Uncertain significance for Kabuki syndrome. Last evaluated: 2022-07-05. Review status: criteria provided, single submitter. Criteria: Invitae Variant Classification Sherloc (09022015). Collection method: clinical testing. Allele origin: germline.
Comment: In summary, the available evidence is currently insufficient to determine the role of this variant in disease. Therefore, it has been classified as a Variant of Uncertain Significance. Advanced modeling of protein sequence and biophysical properties (such as structural, functional, and spatial information, amino acid conservation, physicochemical variation, residue mobility, and thermodynamic stability) performed at Invitae indicates that this missense variant is not expected to disrupt KMT2D protein function. This variant has not been reported in the literature in individuals affected with KMT2D-related conditions. This variant is not present in population databases (gnomAD no frequency). This sequence change replaces alanine, which is neutral and non-polar, with serine, which is neutral and polar, at codon 4926 of the KMT2D protein (p.Ala4926Ser).